The following is an entry in ClinVar:

ClinVar aggregate classification (germline): Uncertain significance (1 of 4 stars; one submission).

Conditions:
Hereditary breast ovarian cancer syndrome. Also called: Hereditary breast and ovarian cancer syndrome (HBOC); Hereditary breast and ovarian cancer; Breast and ovarian cancer; Hereditary breast and/or ovarian cancer syndrome; BRCA1- and BRCA2-Associated Hereditary Breast and Ovarian Cancer; Hereditary breast and ovarian cancer syndrome. Identifiers: Orphanet 145, MedGen C0677776, MeSH D061325, MONDO:0003582. Disease mechanism: loss of function.

Submission:

Labcorp Genetics (formerly Invitae), Labcorp
Classification: Uncertain significance for Hereditary breast ovarian cancer syndrome. Last evaluated: 2025-11-30. Review status: criteria provided, single submitter. Criteria: Invitae Variant Classification Sherloc (09022015). Collection method: clinical testing. Allele origin: germline.
Comment: This sequence change replaces asparagine, which is neutral and polar, with lysine, which is basic and polar, at codon 337 of the BRCA2 protein (p.Asn337Lys). This variant is not present in population databases (gnomAD no frequency). This variant has not been reported in the literature in individuals affected with BRCA2-related conditions. Invitae Evidence Modeling of protein sequence and biophysical properties (such as structural, functional, and spatial information, amino acid conservation, physicochemical variation, residue mobility, and thermodynamic stability) indicates that this missense variant is not expected to disrupt BRCA2 protein function with a negative predictive value of 95%. In summary, the available evidence is currently insufficient to determine the role of this variant in disease. Therefore, it has been classified as a Variant of Uncertain Significance.

NM_000059.4(BRCA2):c.1011C>A (p.Asn337Lys)

Gene: BRCA2 (BRCA2 DNA repair associated; plus strand). Cytogenetic location: 13q13.1.
Variant type: single nucleotide variant.
Coding change: c.1011C>A on transcript NM_000059.4 (MANE Select); coding-DNA position 1011, C replaced by A.
Protein change: p.Asn337Lys; replaces asparagine 337 with lysine.
Molecular consequence: missense variant. On other transcripts: non-coding transcript variant (1), intron variant (1).
Genome position (GRCh38, 1-based): chr13:32,332,489, C>A. VCF-style: chr13-32332489-C-A. GRCh37 (hg19) VCF-style: chr13-32906626-C-A.
Other names: c.1011C>A, p.Asn337Lys (NM_001406719.1, NM_001406720.1, NM_001406721.1 and 1 more transcripts); c.424+1459C>A (NM_001406722.1); short protein forms N337K.
Identifiers: ClinVar variation 4802271 (VCV004802271.1).